The following is an entry in ClinVar:

ClinVar aggregate classification (germline): Uncertain significance (1 of 4 stars; one submission).

Conditions:
Epidermolysis bullosa simplex with nail dystrophy (EBS5D). Identifiers: MedGen C4225309, MONDO:0014661, OMIM 616487.
Epidermolysis bullosa simplex, Ogna type (EBS5A). Also called: Pidermolysis bullosa simplex 5A, Ogna type; EPIDERMOLYSIS BULLOSA SIMPLEX 5A, OGNA TYPE. Identifiers: Orphanet 79401, MedGen C0432317, MONDO:0007555, OMIM 131950.
Autosomal recessive limb-girdle muscular dystrophy type 2Q (LGMDR17). Also called: MUSCULAR DYSTROPHY, LIMB-GIRDLE, AUTOSOMAL RECESSIVE 17. Identifiers: Orphanet 254361, MedGen C3150989, MONDO:0013390, OMIM 613723.
Epidermolysis bullosa simplex 5B, with muscular dystrophy (EBS5B). Also called: EPIDERMOLYSIS BULLOSA SIMPLEX AND LIMB-GIRDLE MUSCULAR DYSTROPHY; Epidermolysis bullosa simplex with muscular dystrophy. Identifiers: Orphanet 257, MedGen C2931072, MONDO:0009181, OMIM 226670.
Epidermolysis bullosa simplex 5C, with pyloric atresia (EBS5C). Also called: PLEC-Related Epidermolysis Bullosa with Pyloric Atresia; Epidermolysis bullosa simplex with pyloric atresia; PLEC1-Related Epidermolysis Bullosa with Pyloric Atresia. Identifiers: Orphanet 158684, MedGen C2677349, MONDO:0012807, OMIM 612138.

Submission:

Labcorp Genetics (formerly Invitae), Labcorp
Classification: Uncertain significance for Autosomal recessive limb-girdle muscular dystrophy type 2Q; Epidermolysis bullosa simplex, Ogna type; Epidermolysis bullosa simplex with nail dystrophy; Epidermolysis bullosa simplex 5C, with pyloric atresia; Epidermolysis bullosa simplex 5B, with muscular dystrophy. Last evaluated: 2024-03-25. Review status: criteria provided, single submitter. Criteria: Invitae Variant Classification Sherloc (09022015). Collection method: clinical testing. Allele origin: germline.
Comment: This sequence change falls in intron 15 of the PLEC gene. It does not directly change the encoded amino acid sequence of the PLEC protein. This variant is not present in population databases (gnomAD no frequency). This variant has not been reported in the literature in individuals affected with PLEC-related conditions. Experimental studies and prediction algorithms are not available or were not evaluated, and the effect of this variant on mRNA splicing is currently unknown. In summary, the available evidence is currently insufficient to determine the role of this variant in disease. Therefore, it has been classified as a Variant of Uncertain Significance.

NM_201384.3(PLEC):c.1738-30_1738-17del

Gene: PLEC (plectin; minus strand). Cytogenetic location: 8q24.3.
Variant type: Deletion.
Coding change: c.1738-30_1738-17del on transcript NM_201384.3 (MANE Select); 30 bases into the intron before coding-DNA position 1738 through 17 bases into the intron before coding-DNA position 1738, 14 bases deleted (CTGCAGACCTCACC).
Molecular consequence: intron variant.
Genome position (GRCh38, 1-based): chr8:143,932,729-143,932,742, GGTGAGGTCTGCAG deleted on the plus strand (CTGCAGACCTCACC on the coding strand, the reverse complement: PLEC is on the minus strand). VCF-style (leftmost placement, unchanged base first): chr8-143932728-CGGTGAGGTCTGCAG-C. GRCh37 (hg19) VCF-style: chr8-145006896-CGGTGAGGTCTGCAG-C.
Other names: c.1819-30_1819-17del (NM_001410941.1, NM_000445.5); c.1696-30_1696-17del (NM_201378.4); c.1672-30_1672-17del (NM_201379.3); c.2149-30_2149-17del (NM_201380.4); c.1642-30_1642-17del (NM_201381.3); c.1738-30_1738-17del (NM_201382.4); c.1750-30_1750-17del (NM_201383.3).
Identifiers: ClinVar variation 3755512 (VCV003755512.2).